The following is an entry in ClinVar:

NM_016335.6(PRODH):c.721C>T (p.Pro241Ser)

Gene: PRODH (proline dehydrogenase 1; minus strand). Cytogenetic location: 22q11.21.
Variant type: single nucleotide variant.
Coding change: c.721C>T on transcript NM_016335.6 (MANE Select); coding-DNA position 721, C replaced by T.
Protein change: p.Pro241Ser; replaces proline 241 with serine.
Molecular consequence: missense variant.
Genome position (GRCh38, 1-based): chr22:18,923,126, G>A on the plus strand (C>T on the coding strand, the complement: PRODH is on the minus strand). VCF-style: chr22-18923126-G-A. GRCh37 (hg19) VCF-style: chr22-18910639-G-A.
Other names: c.397C>T, p.Pro133Ser (NM_001195226.2, NM_001368250.2); short protein forms P133S, P241S.
Identifiers: ClinVar variation 2069774 (VCV002069774.4), dbSNP rs764543767, ClinGen allele CA10095276.

ClinVar aggregate classification (germline): Uncertain significance (1 of 4 stars; one submission).

Conditions:
Proline dehydrogenase deficiency (HYRPRO1). Also called: Hyperprolinemia type 1; PROLINE OXIDASE DEFICIENCY. Identifiers: Orphanet 419, MedGen C0268529, MONDO:0009400, OMIM 239500.

Allele frequency attached by ClinVar (database versions not stated): ExAC 0.00001.

Submission:

Labcorp Genetics (formerly Invitae), Labcorp
Classification: Uncertain significance for Proline dehydrogenase deficiency. Last evaluated: 2022-07-15. Review status: criteria provided, single submitter. Criteria: Invitae Variant Classification Sherloc (09022015). Collection method: clinical testing. Allele origin: germline.
Comment: In summary, the available evidence is currently insufficient to determine the role of this variant in disease. Therefore, it has been classified as a Variant of Uncertain Significance. Algorithms developed to predict the effect of missense changes on protein structure and function are either unavailable or do not agree on the potential impact of this missense change (SIFT: "Tolerated"; PolyPhen-2: "Probably Damaging"; Align-GVGD: "Class C0"). This variant has not been reported in the literature in individuals affected with PRODH-related conditions. This variant is present in population databases (rs764543767, gnomAD 0.0009%). This sequence change replaces proline, which is neutral and non-polar, with serine, which is neutral and polar, at codon 241 of the PRODH protein (p.Pro241Ser).